The following is an entry in ClinVar:

NM_005529.7(HSPG2):c.7030C>T (p.Arg2344Cys)

Gene: HSPG2 (heparan sulfate proteoglycan 2; minus strand). Cytogenetic location: 1p36.12.
Variant type: single nucleotide variant.
Coding change: c.7030C>T on transcript NM_005529.7 (MANE Select); coding-DNA position 7030, C replaced by T.
Protein change: p.Arg2344Cys; replaces arginine 2344 with cysteine.
Molecular consequence: missense variant.
Genome position (GRCh38, 1-based): chr1:21,851,674, G>A on the plus strand (C>T on the coding strand, the complement: HSPG2 is on the minus strand). VCF-style: chr1-21851674-G-A. GRCh37 (hg19) VCF-style: chr1-22178167-G-A.
Other names: c.7033C>T, p.Arg2345Cys (NM_001291860.2); c.7030C>T (NM_005529.5); short protein forms R2344C, R2345C.
Identifiers: ClinVar variation 1702434 (VCV001702434.8), dbSNP rs752260236, ClinGen allele CA671333.

ClinVar aggregate classification (germline): Uncertain significance. Review status: criteria provided, multiple submitters, no conflicts (2 of 4 stars). 3 submissions from 3 submitters: Uncertain significance (3). Last evaluated 2023-01-13.

Conditions:
Inborn genetic diseases. Identifiers: MedGen C0950123, MeSH D030342.
Connective tissue disorder. Also called: Connective tissue disease. Identifiers: MedGen C0009782, MONDO:0003900.

Allele frequency attached by ClinVar (database versions not stated): gnomAD exomes 0.00003; ExAC 0.00002.
gnomAD v4.1: 21 of 1,613,864 alleles (0.0013%); highest among the groups gnomAD compares: Admixed American, 0.0067%; no homozygotes.

Submissions (3):

Ambry Genetics
Classification: Uncertain significance for Inborn genetic diseases. Last evaluated: 2023-01-13. Review status: criteria provided, single submitter. Criteria: Ambry Variant Classification Scheme 2023. Collection method: clinical testing. Allele origin: germline.
Comment: The c.7030C>T (p.R2344C) alteration is located in exon 54 (coding exon 54) of the HSPG2 gene. This alteration results from a C to T substitution at nucleotide position 7030, causing the arginine (R) at amino acid position 2344 to be replaced by a cysteine (C). Based on data from gnomAD, the T allele has an overall frequency of 0.004% (10/282786) total alleles studied. This amino acid position is not well conserved in available vertebrate species. This alteration is predicted to be tolerated by in silico analysis. Based on insufficient or conflicting evidence, the clinical significance of this alteration remains unclear.

Labcorp Genetics (formerly Invitae), Labcorp
Classification: Uncertain significance. Last evaluated: 2022-07-09. Review status: criteria provided, single submitter. Criteria: Invitae Variant Classification Sherloc (09022015). Collection method: clinical testing. Allele origin: germline.
Comment: In summary, the available evidence is currently insufficient to determine the role of this variant in disease. Therefore, it has been classified as a Variant of Uncertain Significance. Algorithms developed to predict the effect of missense changes on protein structure and function are either unavailable or do not agree on the potential impact of this missense change (SIFT: "Deleterious"; PolyPhen-2: "Possibly Damaging"; Align-GVGD: "Class C0"). This variant has not been reported in the literature in individuals affected with HSPG2-related conditions. This variant is present in population databases (rs752260236, gnomAD 0.01%). This sequence change replaces arginine, which is basic and polar, with cysteine, which is neutral and slightly polar, at codon 2344 of the HSPG2 protein (p.Arg2344Cys).

Genome Diagnostics Laboratory, The Hospital for Sick Children
Classification: Uncertain significance for Connective tissue disorder. Last evaluated: 2020-02-01. Review status: criteria provided, single submitter. Criteria: ACMG Guidelines, 2015. Collection method: clinical testing. Allele origin: germline.